The following is an entry in ClinVar:

NM_001104631.2(PDE4D):c.148C>T (p.Leu50Phe)

Gene: PDE4D (phosphodiesterase 4D; minus strand). Cytogenetic location: 5q12.1.
Variant type: single nucleotide variant.
Coding change: c.148C>T on transcript NM_001104631.2 (MANE Select); coding-DNA position 148, C replaced by T.
Protein change: p.Leu50Phe; replaces leucine 50 with phenylalanine.
Molecular consequence: missense variant. On other transcripts: intron variant (5).
Genome position (GRCh38, 1-based): chr5:59,893,475, G>A on the plus strand (C>T on the coding strand, the complement: PDE4D is on the minus strand). VCF-style: chr5-59893475-G-A. GRCh37 (hg19) VCF-style: chr5-59189302-G-A.
Other names: c.272+95013C>T (NM_001364599.1, NM_001165899.2, NM_001364600.2); c.-240+95013C>T (NM_001349243.2); c.242+95013C>T (NM_001349241.2); short protein forms L50F.
Identifiers: ClinVar variation 2998478 (VCV002998478.3), dbSNP rs1751280518, ClinGen allele CA359932978.

ClinVar aggregate classification (germline): Uncertain significance (1 of 4 stars; one submission).

Allele frequency attached by ClinVar (database versions not stated): gnomAD exomes below 0.00001.
gnomAD v4.1: 1 of 1,537,384 alleles (0.000065%); highest among the groups gnomAD compares: Non-Finnish European, 0.000088%; no homozygotes.

Submission:

Labcorp Genetics (formerly Invitae), Labcorp
Classification: Uncertain significance. Last evaluated: 2024-01-11. Review status: criteria provided, single submitter. Criteria: Invitae Variant Classification Sherloc (09022015). Collection method: clinical testing. Allele origin: germline.
Comment: This sequence change replaces leucine, which is neutral and non-polar, with phenylalanine, which is neutral and non-polar, at codon 50 of the PDE4D protein (p.Leu50Phe). This variant is not present in population databases (gnomAD no frequency). This variant has not been reported in the literature in individuals affected with PDE4D-related conditions. An algorithm developed to predict the effect of missense changes on protein structure and function (PolyPhen-2) suggests that this variant is likely to be tolerated. In summary, the available evidence is currently insufficient to determine the role of this variant in disease. Therefore, it has been classified as a Variant of Uncertain Significance.